The following is an entry in ClinVar:

ClinVar aggregate classification (germline): Uncertain significance. Review status: criteria provided, multiple submitters, no conflicts (2 of 4 stars). 2 submissions from 2 submitters: Uncertain significance (2). Last evaluated 2025-06-04.

Submissions (2):

Revvity Omics, Revvity
Classification: Uncertain significance. Last evaluated: 2025-06-04. Review status: criteria provided, single submitter. Criteria: ACMG Guidelines, 2015. Collection method: clinical testing. Allele origin: germline.

GeneDx
Classification: Uncertain significance. Last evaluated: 2022-11-17. Review status: criteria provided, single submitter. Criteria: GeneDx Variant Classification Process June 2021. Collection method: clinical testing. Allele origin: germline. Affected: yes.
Comment: Not observed at significant frequency in large population cohorts (gnomAD); In silico analysis supports that this missense variant has a deleterious effect on protein structure/function; In silico analysis suggests this variant may impact gene splicing. In the absence of RNA/functional studies, the actual effect of this sequence change is unknown.; Has not been previously published as pathogenic or benign to our knowledge

NM_016188.5(ACTL6B):c.478G>A (p.Gly160Arg)

Gene: ACTL6B (actin like 6B; minus strand). Cytogenetic location: 7q22.1.
Variant type: single nucleotide variant.
Coding change: c.478G>A on transcript NM_016188.5 (MANE Select); coding-DNA position 478, G replaced by A.
Protein change: p.Gly160Arg; replaces glycine 160 with arginine.
Molecular consequence: missense variant. On other transcripts: non-coding transcript variant (1).
Genome position (GRCh38, 1-based): chr7:100,648,813, C>T on the plus strand (G>A on the coding strand, the complement: ACTL6B is on the minus strand). VCF-style: chr7-100648813-C-T. GRCh37 (hg19) VCF-style: chr7-100246436-C-T.
Other names: short protein forms G160R.
Identifiers: ClinVar variation 1706704 (VCV001706704.4), dbSNP rs2486161087, ClinGen allele CA368546072.